The following is an entry in ClinVar:

ClinVar aggregate classification (germline): Uncertain significance (1 of 4 stars; one submission).

Conditions:
Hereditary cancer-predisposing syndrome. Also called: Neoplastic Syndromes, Hereditary; Tumor predisposition; Hereditary neoplastic syndrome; Hereditary Cancer Syndrome. Identifiers: Orphanet 140162, MedGen C0027672, MeSH D009386, MONDO:0015356.

Submission:

Ambry Genetics
Classification: Uncertain significance for Hereditary cancer-predisposing syndrome. Last evaluated: 2026-07-07. Review status: criteria provided, single submitter. Criteria: Ambry Variant Classification Scheme 2023. Collection method: clinical testing. Allele origin: germline.
Comment: The p.H558R variant (also known as c.1673A>G), located in coding exon 5 of the AXIN2 gene, results from an A to G substitution at nucleotide position 1673. The histidine at codon 558 is replaced by arginine, an amino acid with highly similar properties. This amino acid position is conserved. In addition, this alteration is predicted to be tolerated by in silico analysis. Based on the available evidence, the clinical significance of this variant remains unclear.

NM_004655.4(AXIN2):c.1673A>G (p.His558Arg)

Gene: AXIN2 (axin 2; minus strand). Cytogenetic location: 17q24.1.
Variant type: single nucleotide variant.
Coding change: c.1673A>G on transcript NM_004655.4 (MANE Select); coding-DNA position 1673, A replaced by G.
Protein change: p.His558Arg; replaces histidine 558 with arginine.
Molecular consequence: missense variant.
Genome position (GRCh38, 1-based): chr17:65,537,363, T>C on the plus strand (A>G on the coding strand, the complement: AXIN2 is on the minus strand). VCF-style: chr17-65537363-T-C. GRCh37 (hg19) VCF-style: chr17-63533481-T-C.
Other names: c.1673A>G, p.His558Arg (NM_001363813.1); short protein forms H558R.
Identifiers: ClinVar variation 5032595 (VCV005032595.1).
Genomic context (GRCh38, chr17:65,537,363, plus strand): 5'-TGCGGTCCGCCCGGCACTTACCCAAACTGCTCGCTGGGCATGGTTTCCGGAGCCTTGGAG[T>C]GGCTTTTGCATTTCGAGTAGCAGTAATACTCGCTGCCCCCAGGGCAGAAGCAGTGCACCC-3'
Protein context (NP_004646.3, residues 548-568): EYYCYSKCKS[His558Arg]SKAPETMPSE